The following is an entry in ClinVar:

ClinVar aggregate classification (germline): Pathogenic (1 of 4 stars; one submission).

Conditions:
Retinoblastoma (RB1). Also called: RETINOBLASTOMA, SOMATIC. Identifiers: Orphanet 790, MedGen C0035335, MeSH D012175, MONDO:0008380, OMIM 180200, HP:0009919. Disease mechanism: loss of function. Inheritance: Both sporadic and heritable forms are tested..

Submission:

Labcorp Genetics (formerly Invitae), Labcorp
Classification: Pathogenic for Retinoblastoma. Last evaluated: 2023-01-18. Review status: criteria provided, single submitter. Criteria: Invitae Variant Classification Sherloc (09022015). Collection method: clinical testing. Allele origin: germline.
Comment: This variant has not been reported in the literature in individuals affected with RB1-related conditions. For these reasons, this variant has been classified as Pathogenic. This variant is not present in population databases (gnomAD no frequency). This sequence change creates a premature translational stop signal (p.Ser182Ilefs*3) in the RB1 gene. It is expected to result in an absent or disrupted protein product. Loss-of-function variants in RB1 are known to be pathogenic (PMID: 17096365).

Literature cited by the submitters: PubMed 17096365.

NM_000321.3(RB1):c.542dup (p.Ser182fs)

Gene: RB1 (RB transcriptional corepressor 1; plus strand). Cytogenetic location: 13q14.2.
Variant type: Duplication.
Coding change: c.542dup on transcript NM_000321.3 (MANE Select); coding-DNA position 542, one base duplicated (T; older notation c.542dupT).
Protein change: p.Ser182fs; shifts the reading frame from serine 182.
Molecular consequence: frameshift variant.
Genome position (GRCh38, 1-based): chr13:48,348,958, T duplicated. VCF-style (leftmost placement, unchanged base first): chr13-48348957-A-AT. GRCh37 (hg19) VCF-style: chr13-48923093-A-AT.
Other names: c.542dup, p.Ser182fs (NM_001407165.1, NM_001407166.1); short protein forms S182fs.
Identifiers: ClinVar variation 2829809 (VCV002829809.3), dbSNP rs2542165708, ClinGen allele CA2739277603.